The following is an entry in ClinVar:

ClinVar aggregate classification (germline): Uncertain significance. Review status: criteria provided, multiple submitters, no conflicts (2 of 4 stars). 2 submissions from 2 submitters: Uncertain significance (2). Last evaluated 2024-06-16.

Allele frequency attached by ClinVar (database versions not stated): gnomAD exomes below 0.00001 and 0.00001; TOPMed 0.00001.
gnomAD v4.1: 5 of 1,613,970 alleles (0.00031%); highest among the groups gnomAD compares: Non-Finnish European, 0.00042%; no homozygotes.

Submissions (2):

Labcorp Genetics (formerly Invitae), Labcorp
Classification: Uncertain significance. Last evaluated: 2024-06-16. Review status: criteria provided, single submitter. Criteria: Invitae Variant Classification Sherloc (09022015). Collection method: clinical testing. Allele origin: germline.
Comment: This sequence change replaces isoleucine, which is neutral and non-polar, with methionine, which is neutral and non-polar, at codon 386 of the RXYLT1 protein (p.Ile386Met). This variant is not present in population databases (gnomAD no frequency). This variant has not been reported in the literature in individuals affected with RXYLT1-related conditions. ClinVar contains an entry for this variant (Variation ID: 943216). Advanced modeling of protein sequence and biophysical properties (such as structural, functional, and spatial information, amino acid conservation, physicochemical variation, residue mobility, and thermodynamic stability) performed at Invitae indicates that this missense variant is not expected to disrupt RXYLT1 protein function with a negative predictive value of 80%. In summary, the available evidence is currently insufficient to determine the role of this variant in disease. Therefore, it has been classified as a Variant of Uncertain Significance.

GeneDx
Classification: Uncertain significance. Last evaluated: 2022-06-10. Review status: criteria provided, single submitter. Criteria: GeneDx Variant Classification Process June 2021. Collection method: clinical testing. Allele origin: germline. Affected: yes.
Comment: Not observed at significant frequency in large population cohorts (gnomAD); In silico analysis supports that this missense variant does not alter protein structure/function; Has not been previously published as pathogenic or benign to our knowledge

NM_014254.3(RXYLT1):c.1158C>G (p.Ile386Met)

Genes: RXYLT1 (ribitol xylosyltransferase 1; plus strand), RXYLT1-AS1 (RXYLT1 antisense RNA 1; minus strand). Cytogenetic location: 12q14.2.
Variant type: single nucleotide variant.
Coding change: c.1158C>G on transcript NM_014254.3 (MANE Select); coding-DNA position 1158, C replaced by G.
Protein change: p.Ile386Met; replaces isoleucine 386 with methionine.
Molecular consequence: missense variant. On other transcripts: non-coding transcript variant (1).
Genome position (GRCh38, 1-based): chr12:63,808,918, C>G. VCF-style: chr12-63808918-C-G. GRCh37 (hg19) VCF-style: chr12-64202698-C-G.
Other names: c.378C>G, p.Ile126Met (NM_001278237.2); short protein forms I126M, I386M.
Identifiers: ClinVar variation 943216 (VCV000943216.8), dbSNP rs959071459, ClinGen allele CA238830875.